The following is an entry in ClinVar:

ClinVar aggregate classification (germline): Uncertain significance (1 of 4 stars; one submission).

Conditions:
Hereditary spastic paraplegia 11. Also called: Nakamura Osame syndrome; Autosomal recessive hereditary spastic paraplegia, mental impairment, and thin corpus callosum; SPASTIC PARAPLEGIA, AUTOSOMAL RECESSIVE, COMPLICATED, WITH THIN CORPUS CALLOSUM; SPASTIC PARAPLEGIA, AUTOSOMAL RECESSIVE, WITH MENTAL IMPAIRMENT AND THIN CORPUS CALLOSUM; Spastic Paraplegia 11; Spastic paraplegia, mental retardation and thin corpus callosum. Identifiers: Orphanet 2822, MedGen C1858479, MONDO:0011445, OMIM 604360.

Allele frequency attached by ClinVar (database versions not stated): gnomAD exomes below 0.00001.
gnomAD v4.1: 3 of 1,614,110 alleles (0.00019%); highest among the groups gnomAD compares: African/African-American, 0.0013%; no homozygotes.

Submission:

Labcorp Genetics (formerly Invitae), Labcorp
Classification: Uncertain significance for Hereditary spastic paraplegia 11. Last evaluated: 2023-11-17. Review status: criteria provided, single submitter. Criteria: Invitae Variant Classification Sherloc (09022015). Collection method: clinical testing. Allele origin: germline.
Comment: This sequence change replaces threonine, which is neutral and polar, with isoleucine, which is neutral and non-polar, at codon 516 of the SPG11 protein (p.Thr516Ile). This variant is present in population databases (no rsID available, gnomAD 0.002%). This variant has not been reported in the literature in individuals affected with SPG11-related conditions. ClinVar contains an entry for this variant (Variation ID: 1934446). Advanced modeling of protein sequence and biophysical properties (such as structural, functional, and spatial information, amino acid conservation, physicochemical variation, residue mobility, and thermodynamic stability) performed at Invitae indicates that this missense variant is not expected to disrupt SPG11 protein function with a negative predictive value of 80%. In summary, the available evidence is currently insufficient to determine the role of this variant in disease. Therefore, it has been classified as a Variant of Uncertain Significance.

NM_025137.4(SPG11):c.1547C>T (p.Thr516Ile)

Gene: SPG11 (SPG11 vesicle trafficking associated, spatacsin; minus strand). Cytogenetic location: 15q21.1.
Variant type: single nucleotide variant.
Coding change: c.1547C>T on transcript NM_025137.4 (MANE Select); coding-DNA position 1547, C replaced by T.
Protein change: p.Thr516Ile; replaces threonine 516 with isoleucine.
Molecular consequence: missense variant.
Genome position (GRCh38, 1-based): chr15:44,648,921, G>A on the plus strand (C>T on the coding strand, the complement: SPG11 is on the minus strand). VCF-style: chr15-44648921-G-A. GRCh37 (hg19) VCF-style: chr15-44941119-G-A.
Other names: c.1547C>T, p.Thr516Ile (NM_001160227.2, NM_001411132.1); short protein forms T516I.
Identifiers: ClinVar variation 1934446 (VCV001934446.5), dbSNP rs1452495306, ClinGen allele CA392235574.